The following is an entry in ClinVar:

ClinVar aggregate classification (germline): Uncertain significance (1 of 4 stars; one submission).

Submission:

GeneDx
Classification: Uncertain significance. Last evaluated: 2023-03-28. Review status: criteria provided, single submitter. Criteria: GeneDx Variant Classification Process June 2021. Collection method: clinical testing. Allele origin: germline. Affected: yes.
Comment: Not observed at significant frequency in large population cohorts (gnomAD); In silico analysis supports that this missense variant has a deleterious effect on protein structure/function; Has not been previously published as pathogenic or benign to our knowledge

NM_181303.2(NLGN3):c.1726C>A (p.Gln576Lys)

Gene: NLGN3 (neuroligin 3; plus strand). Cytogenetic location: Xq13.1.
Variant type: single nucleotide variant.
Coding change: c.1726C>A on transcript NM_181303.2 (MANE Select); coding-DNA position 1726, C replaced by A.
Protein change: p.Gln576Lys; replaces glutamine 576 with lysine.
Molecular consequence: missense variant.
Genome position (GRCh38, 1-based): chrX:71,169,276, C>A. VCF-style: chrX-71169276-C-A. GRCh37 (hg19) VCF-style: chrX-70389126-C-A.
Other names: c.1606C>A, p.Gln536Lys (NM_001166660.2); c.1315C>A, p.Gln439Lys (NM_001321276.2); c.1666C>A, p.Gln556Lys (NM_018977.4); short protein forms Q439K, Q536K, Q556K, Q576K.
Identifiers: ClinVar variation 2581812 (VCV002581812.1), dbSNP rs2519773204, ClinGen allele CA413564497.